The following is an entry in ClinVar:

NM_006922.4(SCN3A):c.1454C>T (p.Ser485Phe)

Gene: SCN3A (sodium voltage-gated channel alpha subunit 3; minus strand). Cytogenetic location: 2q24.3.
Variant type: single nucleotide variant.
Coding change: c.1454C>T on transcript NM_006922.4 (MANE Select); coding-DNA position 1454, C replaced by T.
Protein change: p.Ser485Phe; replaces serine 485 with phenylalanine.
Molecular consequence: missense variant.
Genome position (GRCh38, 1-based): chr2:165,146,956, G>A on the plus strand (C>T on the coding strand, the complement: SCN3A is on the minus strand). VCF-style: chr2-165146956-G-A. GRCh37 (hg19) VCF-style: chr2-166003466-G-A.
Other names: c.1454C>T, p.Ser485Phe (NM_001081676.2, NM_001081677.2); short protein forms S485F.
Identifiers: ClinVar variation 934941 (VCV000934941.9), dbSNP rs1688386274, ClinGen allele CA349236727.

ClinVar aggregate classification (germline): Uncertain significance (1 of 4 stars; one submission).

Submission:

Labcorp Genetics (formerly Invitae), Labcorp
Classification: Uncertain significance. Last evaluated: 2019-07-31. Review status: criteria provided, single submitter. Criteria: Invitae Variant Classification Sherloc (09022015). Collection method: clinical testing. Allele origin: germline.
Comment: Algorithms developed to predict the effect of missense changes on protein structure and function are either unavailable or do not agree on the potential impact of this missense change (SIFT: "Deleterious"; PolyPhen-2: "Probably Damaging"; Align-GVGD: "Class C15"). In summary, the available evidence is currently insufficient to determine the role of this variant in disease. Therefore, it has been classified as a Variant of Uncertain Significance. This variant has not been reported in the literature in individuals with SCN3A-related conditions. This sequence change replaces serine with phenylalanine at codon 485 of the SCN3A protein (p.Ser485Phe). The serine residue is highly conserved and there is a large physicochemical difference between serine and phenylalanine. This variant is not present in population databases (ExAC no frequency).